The following is an entry in ClinVar:

NM_020975.6(RET):c.2870C>G (p.Pro957Arg)

Gene: RET (ret proto-oncogene; plus strand). Cytogenetic location: 10q11.21.
Variant type: single nucleotide variant.
Coding change: c.2870C>G on transcript NM_020975.6 (MANE Select); coding-DNA position 2870, C replaced by G.
Protein change: p.Pro957Arg; replaces proline 957 with arginine.
Molecular consequence: missense variant.
Genome position (GRCh38, 1-based): chr10:43,123,739, C>G. VCF-style: chr10-43123739-C-G. GRCh37 (hg19) VCF-style: chr10-43619187-C-G.
Other names: c.2870C>G, p.Pro957Arg (NM_000323.2, NM_001406743.1, NM_001406744.1 and 4 more transcripts); c.2108C>G, p.Pro703Arg (NM_001355216.2); c.2741C>G, p.Pro914Arg (NM_001406761.1, NM_001406762.1, NM_001406764.1); c.2735C>G, p.Pro912Arg (NM_001406763.1, NM_001406765.1); c.2582C>G, p.Pro861Arg (NM_001406766.1, NM_001406767.1, NM_001406770.1); c.2606C>G, p.Pro869Arg (NM_001406768.1); c.2474C>G, p.Pro825Arg (NM_001406769.1, NM_001406772.1); c.2432C>G, p.Pro811Arg (NM_001406771.1, NM_001406773.1); and 10 more; short protein forms P474R, P522R, P562R, P613R, P615R, P618R, P627R, P658R.
Identifiers: ClinVar variation 2634001 (VCV002634001.1), dbSNP rs1259087541, ClinGen allele CA376557856.

ClinVar aggregate classification (germline): Uncertain significance (1 of 4 stars; one submission).

Conditions:
RET-related disorder. Also called: RET-related disorders; RET-related condition; RET-related disease.

Submission:

PreventionGenetics, part of Exact Sciences
Classification: Uncertain significance for RET-related condition. Last evaluated: 2023-10-02. Review status: criteria provided, single submitter. Criteria: ACMG Guidelines, 2015. Collection method: clinical testing. Allele origin: germline.
Comment: The RET c.2870C>G variant is predicted to result in the amino acid substitution p.Pro957Arg. To our knowledge, this variant has not been reported in the literature or in a large population database, indicating this variant is rare. At this time, the clinical significance of this variant is uncertain due to the absence of conclusive functional and genetic evidence.